The following is an entry in ClinVar:

NM_004168.4(SDHA):c.1544T>A (p.Met515Lys)

Gene: SDHA (succinate dehydrogenase complex flavoprotein subunit A; plus strand). Cytogenetic location: 5p15.33.
Variant type: single nucleotide variant.
Coding change: c.1544T>A on transcript NM_004168.4 (MANE Select); coding-DNA position 1544, T replaced by A.
Protein change: p.Met515Lys; replaces methionine 515 with lysine.
Molecular consequence: missense variant.
Genome position (GRCh38, 1-based): chr5:240,469, T>A. VCF-style: chr5-240469-T-A. GRCh37 (hg19) VCF-style: chr5-240584-T-A.
Other names: c.1400T>A, p.Met467Lys (NM_001294332.2); c.1544T>A, p.Met515Lys (NM_001330758.2); short protein forms M515K, M467K.
Identifiers: ClinVar variation 4789764 (VCV004789764.1).

ClinVar aggregate classification (germline): Uncertain significance (1 of 4 stars; one submission).

Conditions:
Mitochondrial complex II deficiency, nuclear type 1. Also called: SUCCINATE CoQ REDUCTASE DEFICIENCY. Identifiers: Orphanet 3208, MedGen C5700310, MONDO:0100294, OMIM 252011.
Pheochromocytoma/paraganglioma syndrome 5. Also called: Paragangliomas 5; SDHA-Related Hereditary Paraganglioma-Pheochromocytoma Syndrome. Identifiers: Orphanet 29072, MedGen C3279992, MONDO:0013602, OMIM 614165.

Submission:

Labcorp Genetics (formerly Invitae), Labcorp
Classification: Uncertain significance for Pheochromocytoma/paraganglioma syndrome 5; Mitochondrial complex II deficiency, nuclear type 1. Last evaluated: 2025-05-27. Review status: criteria provided, single submitter. Criteria: Invitae Variant Classification Sherloc (09022015). Collection method: clinical testing. Allele origin: germline.
Comment: This sequence change replaces methionine, which is neutral and non-polar, with lysine, which is basic and polar, at codon 515 of the SDHA protein (p.Met515Lys). This variant is not present in population databases (gnomAD no frequency). This variant has not been reported in the literature in individuals affected with SDHA-related conditions. Invitae Evidence Modeling of protein sequence and biophysical properties (such as structural, functional, and spatial information, amino acid conservation, physicochemical variation, residue mobility, and thermodynamic stability) has been performed for this missense variant. However, the output from this modeling did not meet the statistical confidence thresholds required to predict the impact of this variant on SDHA protein function. In summary, the available evidence is currently insufficient to determine the role of this variant in disease. Therefore, it has been classified as a Variant of Uncertain Significance.